The following is an entry in ClinVar:

NM_002067.5(GNA11):c.976T>G (p.Ser326Ala)

Gene: GNA11 (G protein subunit alpha 11; plus strand). Cytogenetic location: 19p13.3.
Variant type: single nucleotide variant.
Coding change: c.976T>G on transcript NM_002067.5 (MANE Select); coding-DNA position 976, T replaced by G.
Protein change: p.Ser326Ala; replaces serine 326 with alanine.
Molecular consequence: missense variant.
Genome position (GRCh38, 1-based): chr19:3,121,075, T>G. VCF-style: chr19-3121075-T-G. GRCh37 (hg19) VCF-style: chr19-3121073-T-G.
Other names: short protein forms S326A.
Identifiers: ClinVar variation 1403145 (VCV001403145.8), dbSNP rs1364056722, ClinGen allele CA403312250.

ClinVar aggregate classification (germline): Uncertain significance (1 of 4 stars; one submission).

Allele frequency attached by ClinVar (database versions not stated): gnomAD exomes 0.00001 and 0.00002.
gnomAD v4.1: 36 of 1,613,516 alleles (0.0022%); highest among the groups gnomAD compares: Non-Finnish European, 0.003%; no homozygotes.

Submission:

Labcorp Genetics (formerly Invitae), Labcorp
Classification: Uncertain significance. Last evaluated: 2021-01-08. Review status: criteria provided, single submitter. Criteria: Invitae Variant Classification Sherloc (09022015). Collection method: clinical testing. Allele origin: germline.
Comment: This sequence change replaces serine with alanine at codon 326 of the GNA11 protein (p.Ser326Ala). The serine residue is highly conserved and there is a moderate physicochemical difference between serine and alanine. This variant is not present in population databases (ExAC no frequency). This variant has not been reported in the literature in individuals with GNA11-related conditions. Algorithms developed to predict the effect of missense changes on protein structure and function are either unavailable or do not agree on the potential impact of this missense change (SIFT: "Tolerated"; PolyPhen-2: "Possibly Damaging"; Align-GVGD: "Class C0"). In summary, the available evidence is currently insufficient to determine the role of this variant in disease. Therefore, it has been classified as a Variant of Uncertain Significance.